The following is an entry in ClinVar:

NM_007129.5(ZIC2):c.1377_1382dup (p.Ala469_Ala470dup)

Genes: ZIC2 (Zic family zinc finger 2; plus strand), LOC110008580 (Zic family member 2 polyalanine repeat instability region; plus strand). Cytogenetic location: 13q32.3.
Variant type: Duplication.
Coding change: c.1377_1382dup on transcript NM_007129.5 (MANE Select); coding-DNA positions 1377 to 1382, 6 bases duplicated (AGCGGC; older notation c.1377_1382dupAGCGGC).
Protein change: p.Ala469_Ala470dup.
Molecular consequence: inframe insertion.
Genome position (GRCh38, 1-based): chr13:99,985,460-99,985,465, AGCGGC duplicated; duplicating any 6 consecutive bases within chr13:99,985,455-99,985,465 gives the same sequence; the c. name uses the placement nearest the transcript's 3' end. VCF-style (leftmost placement, unchanged base first): chr13-99985454-G-GGCGGCA. GRCh37 (hg19) VCF-style: chr13-100637708-G-GGCGGCA.
Identifiers: ClinVar variation 970658 (VCV000970658.10), dbSNP rs768673486, ClinGen allele CA7032979.
Genomic context (GRCh38, chr13:99,985,454, plus strand): 5'-CCCGGGGCTGGTGTCCCCCAGCGCCGAGCCCCAGAGCAGCTCCAACCTGTCCCCAGCGGC[G>GGCGGCA]GCGGCAGCGGCGGCGGCGGCTGCGGCGGCGGCGGCCGCGGTGTCCGCGGTGCACCGGGGC-3'

ClinVar aggregate classification (germline): Uncertain significance (1 of 4 stars; one submission).

Conditions:
Holoprosencephaly 5 (HPE5). Identifiers: Orphanet 2162, MedGen C1864827, MONDO:0012322, OMIM 609637.

Submission:

Labcorp Genetics (formerly Invitae), Labcorp
Classification: Uncertain significance for Holoprosencephaly 5. Last evaluated: 2024-06-11. Review status: criteria provided, single submitter. Criteria: Invitae Variant Classification Sherloc (09022015). Collection method: clinical testing. Allele origin: germline.
Comment: This variant, c.1377_1382dup, results in the insertion of 2 amino acid(s) of the ZIC2 protein (p.Ala469_Ala470dup), but otherwise preserves the integrity of the reading frame. The frequency data for this variant in the population databases is considered unreliable, as metrics indicate poor data quality at this position in the gnomAD database. This variant has been observed in individual(s) with holoprosencephaly spectrum disorders (PMID: 19955556, 22847929). ClinVar contains an entry for this variant (Variation ID: 970658). Experimental studies and prediction algorithms are not available or were not evaluated, and the functional significance of this variant is currently unknown. In summary, the available evidence is currently insufficient to determine the role of this variant in disease. Therefore, it has been classified as a Variant of Uncertain Significance.

Literature cited by the submitters: PubMed 19955556; PubMed 22847929.